The following is an entry in ClinVar:

NM_177986.5(DSG4):c.1264G>A (p.Ala422Thr)

Genes: DSG1-AS1 (DSG1 antisense RNA 1; minus strand), DSG4 (desmoglein 4; plus strand). Cytogenetic location: 18q12.1.
Variant type: single nucleotide variant.
Coding change: c.1264G>A on transcript NM_177986.5 (MANE Select); coding-DNA position 1264, G replaced by A.
Protein change: p.Ala422Thr; replaces alanine 422 with threonine.
Molecular consequence: missense variant.
Genome position (GRCh38, 1-based): chr18:31,399,530, G>A. VCF-style: chr18-31399530-G-A. GRCh37 (hg19) VCF-style: chr18-28979493-G-A.
Other names: c.1264G>A, p.Ala422Thr (NM_001134453.3); short protein forms A422T.
Identifiers: ClinVar variation 4528031 (VCV004528031.1).
Genomic context (GRCh38, chr18:31,399,530, plus strand): 5'-TCCTTATTGAATTATGTGCTTGGCACATATACAGCCATAGATTTGGACACAGGAAACCCT[G>A]CAACAGATGTCAGGTACTGCAACTATTTTCTTCATGTTCTATGGTTCTATCCAGTGTTAA-3'
Protein context (NP_817123.1, residues 412-432): TAIDLDTGNP[Ala422Thr]TDVRYIIGHD

ClinVar aggregate classification (germline): Uncertain significance (1 of 4 stars; one submission).

gnomAD v4.1: 101 of 1,613,840 alleles (0.0063%); highest among the groups gnomAD compares: Non-Finnish European, 0.0081%; no homozygotes.

Submission:

GeneDx
Classification: Uncertain significance. Last evaluated: 2025-05-08. Review status: criteria provided, single submitter. Criteria: GeneDx Variant Classification Process June 2021. Collection method: clinical testing. Allele origin: germline. Affected: yes.
Comment: In silico analysis supports that this missense variant has a deleterious effect on protein structure/function; Has not been previously published as pathogenic or benign to our knowledge